The following is an entry in ClinVar:

ClinVar aggregate classification (germline): Conflicting classifications of pathogenicity. Review status: criteria provided, conflicting classifications (1 of 4 stars). 7 submissions from 7 submitters: Uncertain significance (6); Likely benign (1). Last evaluated 2026-05-05.

Conditions:
Hereditary cancer-predisposing syndrome. Also called: Neoplastic Syndromes, Hereditary; Hereditary neoplastic syndrome; Hereditary Cancer Syndrome; Tumor predisposition. Identifiers: Orphanet 140162, MedGen C0027672, MeSH D009386, MONDO:0015356.
Cardiovascular phenotype. Identifiers: MedGen CN230736.
Noonan syndrome 10 (NS10). Identifiers: Orphanet 648, MedGen C4225280, MONDO:0014693, OMIM 616564.
LZTR1-related schwannomatosis. Also called: Schwannomatosis 2; Schwannomatosis-2, susceptibility to. Identifiers: Orphanet 93921, MedGen C3810283, MONDO:0014299, OMIM 615670.
Noonan syndrome 2 (NS2). Identifiers: Orphanet 648, MedGen C1854469, MONDO:0011531, OMIM 605275.

Allele frequency attached by ClinVar (database versions not stated): ESP Exome Variant Server 0.00008; gnomAD 0.00003 and 0.00004; TOPMed 0.00005; ExAC 0.00006.
gnomAD v4.1: 48 of 1,613,532 alleles (0.003%); highest among the groups gnomAD compares: Non-Finnish European, 0.00051%; no homozygotes.

Submissions (7):

Women's Health and Genetics/Laboratory Corporation of America, LabCorp
Classification: Uncertain significance. Last evaluated: 2026-05-05. Review status: criteria provided, single submitter. Criteria: LabCorp Variant Classification Summary - May 2015. Collection method: clinical testing. Allele origin: germline.
Comment: Variant summary: LZTR1 c.1978G>A (p.Glu660Lys) results in a conservative amino acid change in the encoded protein sequence. Algorithms developed to predict the effect of missense changes on protein structure and function are either unavailable or do not agree on the potential impact of this missense change. The variant allele was found at a frequency of 7.6e-05 in 251278 control chromosomes. This frequency is not significantly higher than estimated for disease-causing variants in LZTR1, allowing no conclusion about variant significance. To our knowledge, no occurrence of c.1978G>A in individuals affected with LZTR1-related conditions and no experimental evidence demonstrating its impact on protein function have been reported. ClinVar contains an entry for this variant (Variation ID: 1015541). Based on the evidence outlined above, the variant was classified as uncertain significance.

Labcorp Genetics (formerly Invitae), Labcorp
Classification: Uncertain significance. Last evaluated: 2025-12-22. Review status: criteria provided, single submitter. Criteria: Invitae Variant Classification Sherloc (09022015). Collection method: clinical testing. Allele origin: germline.
Comment: This sequence change replaces glutamic acid, which is acidic and polar, with lysine, which is basic and polar, at codon 660 of the LZTR1 protein (p.Glu660Lys). This variant is present in population databases (rs151000791, gnomAD 0.2%). This variant has not been reported in the literature in individuals affected with LZTR1-related conditions. ClinVar contains an entry for this variant (Variation ID: 1015541). Invitae Evidence Modeling of protein sequence and biophysical properties (such as structural, functional, and spatial information, amino acid conservation, physicochemical variation, residue mobility, and thermodynamic stability) indicates that this missense variant is not expected to disrupt LZTR1 protein function with a negative predictive value of 80%. In summary, the available evidence is currently insufficient to determine the role of this variant in disease. Therefore, it has been classified as a Variant of Uncertain Significance.

Baylor Genetics
Classification: Uncertain significance for LZTR1-related schwannomatosis. Last evaluated: 2024-02-28. Review status: criteria provided, single submitter. Criteria: ACMG Guidelines, 2015. Collection method: clinical testing. Allele origin: unknown.

Ambry Genetics
Classification: Likely benign for Cardiovascular phenotype; Hereditary cancer-predisposing syndrome. Last evaluated: 2023-04-18. Review status: criteria provided, single submitter. Criteria: Ambry Variant Classification Scheme 2023. Collection method: clinical testing. Allele origin: germline.

GeneDx
Classification: Uncertain significance. Last evaluated: 2023-01-20. Review status: criteria provided, single submitter. Criteria: GeneDx Variant Classification Process June 2021. Collection method: clinical testing. Allele origin: germline. Affected: yes.
Comment: In silico analysis supports that this missense variant does not alter protein structure/function; Has not been previously published as pathogenic or benign to our knowledge

Department of Pathology and Laboratory Medicine, Sinai Health System
Classification: Uncertain significance for Noonan syndrome 2; LZTR1-related schwannomatosis; Noonan syndrome 10. Last evaluated: 2022-06-03. Review status: criteria provided, single submitter. Criteria: ACMG Guidelines, 2015. Collection method: clinical testing. Allele origin: germline. Affected: yes.

New York Genome Center
Classification: Uncertain significance for Noonan syndrome 10. Last evaluated: 2021-07-16. Review status: criteria provided, single submitter. Criteria: NYGC Assertion Criteria 2020. Collection method: clinical testing. Allele origin: inherited. Observed: 1 heterozygote. Study: CSER-NYCKidSeq.

NM_006767.4(LZTR1):c.1978G>A (p.Glu660Lys)

Gene: LZTR1 (leucine zipper like post translational regulator 1; plus strand). Cytogenetic location: 22q11.21.
Variant type: single nucleotide variant.
Coding change: c.1978G>A on transcript NM_006767.4 (MANE Select); coding-DNA position 1978, G replaced by A.
Protein change: p.Glu660Lys; replaces glutamic acid 660 with lysine.
Molecular consequence: missense variant.
Genome position (GRCh38, 1-based): chr22:20,995,781, G>A. VCF-style: chr22-20995781-G-A. GRCh37 (hg19) VCF-style: chr22-21350070-G-A.
Other names: c.1978G>A (NM_006767.3); short protein forms E660K.
Identifiers: ClinVar variation 1015541 (VCV001015541.14), dbSNP rs151000791, ClinGen allele CA10119182.